The following is an entry in ClinVar:

NM_000098.3(CPT2):c.1402C>T (p.Gln468Ter)

Gene: CPT2 (carnitine palmitoyltransferase 2; plus strand). Cytogenetic location: 1p32.3.
Variant type: single nucleotide variant.
Coding change: c.1402C>T on transcript NM_000098.3 (MANE Select); coding-DNA position 1402, C replaced by T.
Protein change: p.Gln468Ter; replaces glutamine 468 with a stop codon.
Molecular consequence: nonsense.
Genome position (GRCh38, 1-based): chr1:53,211,076, C>T. VCF-style: chr1-53211076-C-T. GRCh37 (hg19) VCF-style: chr1-53676748-C-T.
Other names: c.1402C>T, p.Gln468Ter (NM_001330589.2); short protein forms Q468*.
Identifiers: ClinVar variation 1073053 (VCV001073053.8), dbSNP rs964928101, ClinGen allele CA22639763.
Genomic context (GRCh38, chr1:53,211,076, plus strand): 5'-TTTCAGAGAGGAGGCAAAGAATTCCTGAAGAAGCAAAAGCTGAGCCCTGACGCAGTTGCC[C>T]AGCTGGCATTCCAGATGGCCTTCCTGCGGCAGTACGGGCAGACAGTGGCCACCTACGAGT-3'

ClinVar aggregate classification (germline): Pathogenic. Review status: criteria provided, multiple submitters, no conflicts (2 of 4 stars). 2 submissions from 2 submitters: Pathogenic (2). Last evaluated 2026-05-08.

Conditions:
Carnitine palmitoyltransferase II deficiency. Also called: Carnitine Palmitoyltransferase 2 Deficiency. Identifiers: Orphanet 157, MedGen C0342790, MONDO:0015515.

Allele frequency attached by ClinVar (database versions not stated): gnomAD exomes below 0.00001; TOPMed 0.00001.

Submissions (2):

Myriad Genetics, Inc.
Classification: Pathogenic for Carnitine palmitoyltransferase II deficiency. Last evaluated: 2026-05-08. Review status: criteria provided, single submitter. Criteria: Myriad Autosomal Dominant, Autosomal Recessive and X-Linked Classification Criteria (2023). Collection method: clinical testing. Allele origin: unknown.
Comment: NM_000098.2(CPT2):c.1402C>T(Q468*) is a nonsense variant classified as pathogenic in the context of carnitine palmitoyltransferase II deficiency. Q468* has not been observed in cases with relevant disease. Relevant functional assessments of this variant are not available in the literature. Q468* has not been observed in referenced population frequency databases. In summary, NM_000098.2(CPT2):c.1402C>T(Q468*) is a nonsense variant in a gene where loss of function is a known mechanism of disease and is predicted to disrupt protein function. Please note: this variant was assessed in the context of healthy population screening.

Labcorp Genetics (formerly Invitae), Labcorp
Classification: Pathogenic for Carnitine palmitoyltransferase II deficiency. Last evaluated: 2022-12-23. Review status: criteria provided, single submitter. Criteria: Invitae Variant Classification Sherloc (09022015). Collection method: clinical testing. Allele origin: germline.
Comment: This sequence change creates a premature translational stop signal (p.Gln468*) in the CPT2 gene. It is expected to result in an absent or disrupted protein product. Loss-of-function variants in CPT2 are known to be pathogenic (PMID: 16781677, 16996287). This variant is not present in population databases (gnomAD no frequency). This variant has not been reported in the literature in individuals affected with CPT2-related conditions. ClinVar contains an entry for this variant (Variation ID: 1073053). For these reasons, this variant has been classified as Pathogenic.

Literature cited by the submitters: PubMed 16781677 (cited by Labcorp Genetics (formerly Invitae), Labcorp); PubMed 16996287 (cited by Labcorp Genetics (formerly Invitae), Labcorp).